The following is an entry in ClinVar:

NM_001913.5(CUX1):c.1564-3dup

Gene: CUX1 (cut like homeobox 1; plus strand). Cytogenetic location: 7q22.1.
Variant type: Duplication.
Coding change: c.1564-3dup on transcript NM_001913.5 (MANE Plus Clinical); 3 bases into the intron before coding-DNA position 1564, one base duplicated (C; older notation c.1564-3dupC).
Molecular consequence: intron variant.
Genome position (GRCh38, 1-based): chr7:102,277,946, C duplicated; the last of 8 consecutive C bases (chr7:102,277,939-102,277,946); duplicating any one gives the same sequence. VCF-style (leftmost placement, unchanged base first): chr7-102277938-T-TC. GRCh37 (hg19) VCF-style: chr7-101921209-T-TC.
Other names: c.1558-3dup (NM_181500.4); c.1426-3dup (NM_001202545.3); c.1516-3dup (NM_001202544.3); c.1447-3dup (NM_001202546.3).
Identifiers: ClinVar variation 3046134 (VCV003046134.2), dbSNP rs563967808, ClinGen allele CA4411712.

ClinVar aggregate classification (germline): Likely benign (0 of 4 stars; one submission).

Conditions:
CUX1-related disorder. Also called: CUX1-related condition.

Submission:

PreventionGenetics, part of Exact Sciences
Classification: Likely benign for CUX1-related condition. Last evaluated: 2020-03-24. Review status: no assertion criteria provided. Collection method: clinical testing. Allele origin: germline.
Comment: This variant is classified as likely benign based on ACMG/AMP sequence variant interpretation guidelines (Richards et al. 2015 PMID: 25741868, with internal and published modifications).